The following is an entry in ClinVar:

ClinVar aggregate classification (germline): Uncertain significance (1 of 4 stars; one submission).

Allele frequency attached by ClinVar (database versions not stated): gnomAD exomes below 0.00001.
gnomAD v4.1: 3 of 1,614,014 alleles (0.00019%); highest among the groups gnomAD compares: Non-Finnish European, 0.00025%; no homozygotes.

Submission:

Labcorp Genetics (formerly Invitae), Labcorp
Classification: Uncertain significance. Last evaluated: 2021-08-28. Review status: criteria provided, single submitter. Criteria: Invitae Variant Classification Sherloc (09022015). Collection method: clinical testing. Allele origin: germline.
Comment: This sequence change replaces valine with alanine at codon 630 of the AHR protein (p.Val630Ala). The valine residue is weakly conserved and there is a small physicochemical difference between valine and alanine. This variant is not present in population databases (ExAC no frequency). This variant has not been reported in the literature in individuals affected with AHR-related conditions. Algorithms developed to predict the effect of missense changes on protein structure and function output the following: SIFT: "Tolerated"; PolyPhen-2: "Benign"; Align-GVGD: "Class C0". The alanine amino acid residue is found in multiple mammalian species, which suggests that this missense change does not adversely affect protein function. In summary, the available evidence is currently insufficient to determine the role of this variant in disease. Therefore, it has been classified as a Variant of Uncertain Significance.

NM_001621.5(AHR):c.1889T>C (p.Val630Ala)

Gene: AHR (aryl hydrocarbon receptor; plus strand). Cytogenetic location: 7p21.1.
Variant type: single nucleotide variant.
Coding change: c.1889T>C on transcript NM_001621.5 (MANE Select); coding-DNA position 1889, T replaced by C.
Protein change: p.Val630Ala; replaces valine 630 with alanine.
Molecular consequence: missense variant.
Genome position (GRCh38, 1-based): chr7:17,339,714, T>C. VCF-style: chr7-17339714-T-C. GRCh37 (hg19) VCF-style: chr7-17379338-T-C.
Other names: short protein forms V630A.
Identifiers: ClinVar variation 964083 (VCV000964083.7), dbSNP rs1782398060, ClinGen allele CA366895426.
Genomic context (GRCh38, chr7:17,339,714, plus strand): 5'-GCTGTATGGTACAGGAACACCTACATCTAGAACAGCAACAGCAACATCACCAAAAGCAAG[T>C]AGTAGTGGAGCCACAGCAACAGCTGTGTCAGAAGATGAAGCACATGCAAGTTAATGGCAT-3'
Protein context (NP_001612.1, residues 620-640): EQQQQHHQKQ[Val630Ala]VVEPQQQLCQ